The following is an entry in ClinVar:

NM_001040716.2(PC):c.2482A>G (p.Met828Val)

Gene: PC (pyruvate carboxylase; minus strand). Cytogenetic location: 11q13.2.
Variant type: single nucleotide variant.
Coding change: c.2482A>G on transcript NM_001040716.2 (MANE Select); coding-DNA position 2482, A replaced by G.
Protein change: p.Met828Val; replaces methionine 828 with valine.
Molecular consequence: missense variant.
Genome position (GRCh38, 1-based): chr11:66,850,456, T>C on the plus strand (A>G on the coding strand, the complement: PC is on the minus strand). VCF-style: chr11-66850456-T-C. GRCh37 (hg19) VCF-style: chr11-66617927-T-C.
Other names: c.2482A>G, p.Met828Val (NM_000920.4, NM_022172.3); short protein forms M828V.
Identifiers: ClinVar variation 2585232 (VCV002585232.1), dbSNP rs753877093, ClinGen allele CA6131050.
Genomic context (GRCh38, chr11:66,850,456, plus strand): 5'-AGGCCGCGTACAGTCCCCGAGCCCCCTCCCAGTACTCACTGTAGTCAAACACGCGCTCCA[T>C]GGGCACCTCTGCAGGGAGGCCAGAGTCAGAGGAGGCCTTAGAAATGTGTGACTCTTCCAG-3'
Protein context (NP_001035806.1, residues 818-838): RGTPLDTEVP[Met828Val]ERVFDYSEYW

ClinVar aggregate classification (germline): Uncertain significance (1 of 4 stars; one submission).

Conditions:
Pyruvate carboxylase deficiency. Also called: Pyruvate Carboxylase Deficiency Disease; LEIGH NECROTIZING ENCEPHALOPATHY DUE TO PYRUVATE CARBOXYLASE DEFICIENCY; LEIGH SYNDROME DUE TO PYRUVATE CARBOXYLASE DEFICIENCY; PC DEFICIENCY; ATAXIA WITH LACTIC ACIDOSIS II. Identifiers: Orphanet 3008, MedGen C0034341, MONDO:0009949, OMIM 266150.

Allele frequency attached by ClinVar (database versions not stated): gnomAD exomes below 0.00001; TOPMed below 0.00001; ExAC 0.00001.
gnomAD v4.1: 1 of 1,613,896 alleles (0.000062%); highest among the groups gnomAD compares: South Asian, 0.0011%; no homozygotes.

Submission:

Neuberg Centre For Genomic Medicine, NCGM
Classification: Uncertain significance for Pyruvate carboxylase deficiency. Review status: criteria provided, single submitter. Criteria: ACMG Guidelines, 2015. Collection method: clinical testing. Allele origin: germline. Inheritance: Autosomal recessive inheritance. Affected: yes.
Comment: The missense variant c.2482A>G (p.Met828Val) in PC gene has not been reported previously as a pathogenic variant nor as a benign variant, to our knowledge. The p.Met828Val variant is reported with the allele frequency (0.0004%) in the gnomad and novel in 1000 genome database. The amino acid Methionine at position 828 is changed to a Valine changing protein sequence and it might alter its composition and physico-chemical properties. In silico tools predict the variant to be tolerated. The residue is conserved across species. For these reasons, this variant has been classified as Uncertain Significance